The following is an entry in ClinVar:

NM_001127178.3(PIGG):c.2266ATT[1] (p.Ile757del)

Gene: PIGG (phosphatidylinositol glycan anchor biosynthesis class G (EMM blood group); plus strand). Cytogenetic location: 4p16.3.
Variant type: Microsatellite.
Coding change: c.2266ATT[1] on transcript NM_001127178.3 (MANE Select); one copy of the 3-base unit ATT starting at c.2266; the reference has two copies in a row; one copy, 3 bases deleted.
Protein change: p.Ile757del; deletes isoleucine 757.
Molecular consequence: inframe deletion. On other transcripts: non-coding transcript variant (6).
Genome position (GRCh38, 1-based): chr4:530,443-530,445, ATT deleted; deleting any 3 consecutive bases within chr4:530,439-530,445 gives the same sequence; the position shown is the placement nearest the transcript's 3' end. VCF-style (leftmost placement, unchanged base first): chr4-530438-GTAT-G. GRCh37 (hg19) VCF-style: chr4-524227-GTAT-G.
Other names: c.1999ATT[1], p.Ile668del (NM_001289051.2, NM_001345986.2); c.1867ATT[1], p.Ile624del (NM_001289052.2); c.1975ATT[1], p.Ile660del (NM_001345987.2); c.1237ATT[1], p.Ile414del (NM_001345988.2); c.733ATT[1], p.Ile246del (NM_001345990.2, NM_001345991.2); c.1168ATT[1], p.Ile391del (NM_001345994.2); c.2242ATT[1], p.Ile749del (NM_017733.5); short protein forms I414del, I668del, I624del, I391del, I749del, I757del, I246del, I660del.
Identifiers: ClinVar variation 1387066 (VCV001387066.6), dbSNP rs769896861, ClinGen allele CA2793607.

ClinVar aggregate classification (germline): Uncertain significance (1 of 4 stars; one submission).

Conditions:
Intellectual disability, autosomal recessive 53 (NEDHSCA). Also called: NEURODEVELOPMENTAL DISORDER WITH OR WITHOUT HYPOTONIA, SEIZURES, AND CEREBELLAR ATROPHY; GLYCOSYLPHOSPHATIDYLINOSITOL BIOSYNTHESIS DEFECT 13; Mental retardation, autosomal recessive 53. Identifiers: Orphanet 488635, MedGen C4310794, MONDO:0014832, OMIM 616917.

Submission:

Labcorp Genetics (formerly Invitae), Labcorp
Classification: Uncertain significance for Intellectual disability, autosomal recessive 53. Last evaluated: 2022-08-23. Review status: criteria provided, single submitter. Criteria: Invitae Variant Classification Sherloc (09022015). Collection method: clinical testing. Allele origin: germline.
Comment: Experimental studies and prediction algorithms are not available or were not evaluated, and the functional significance of this variant is currently unknown. In summary, the available evidence is currently insufficient to determine the role of this variant in disease. Therefore, it has been classified as a Variant of Uncertain Significance. This variant has not been reported in the literature in individuals affected with PIGG-related conditions. This variant is present in population databases (rs769896861, gnomAD 0.006%). This variant, c.2269_2271del, results in the deletion of 1 amino acid(s) of the PIGG protein (p.Ile757del), but otherwise preserves the integrity of the reading frame.